The following is an entry in ClinVar:

NM_025137.4(SPG11):c.2471del (p.Phe824fs)

Gene: SPG11 (SPG11 vesicle trafficking associated, spatacsin; minus strand). Cytogenetic location: 15q21.1.
Variant type: Deletion.
Coding change: c.2471del on transcript NM_025137.4 (MANE Select); coding-DNA position 2471, one base deleted (T; older notation c.2471delT).
Protein change: p.Phe824fs; shifts the reading frame from phenylalanine 824.
Molecular consequence: frameshift variant.
Genome position (GRCh38, 1-based): chr15:44,621,908, A deleted on the plus strand (T on the coding strand, the reverse complement: SPG11 is on the minus strand); the first of 6 consecutive A bases (chr15:44,621,908-44,621,913); deleting any one gives the same sequence. VCF-style (leftmost placement, unchanged base first): chr15-44621907-GA-G. GRCh37 (hg19) VCF-style: chr15-44914105-GA-G.
Other names: c.2471del, p.Phe824fs (NM_001160227.2); short protein forms F824fs.
Identifiers: ClinVar variation 1256320 (VCV001256320.1), dbSNP rs764805516, ClinGen allele CA2499222948.

ClinVar aggregate classification (germline): Pathogenic (1 of 4 stars; one submission).

Submission:

Athena Diagnostics
Classification: Pathogenic. Last evaluated: 2020-10-20. Review status: criteria provided, single submitter. Criteria: Athena Diagnostics criteria. Collection method: clinical testing. Allele origin: unknown.
Comment: This variant is expected to result in the loss of a functional protein. This variant has not been reported in large, multi-ethnic general populations. This variant has been identified in at least one individual with clinical features associated with this gene.

Literature cited by the submitters: PubMed 27957547.